The following is an entry in ClinVar:

ClinVar aggregate classification (germline): Pathogenic (1 of 4 stars; one submission).

Conditions:
Bardet-Biedl syndrome (BBS). Identifiers: Orphanet 110, MedGen C0752166, MONDO:0015229.

Submission:

Labcorp Genetics (formerly Invitae), Labcorp
Classification: Pathogenic for Bardet-Biedl syndrome. Last evaluated: 2025-12-08. Review status: criteria provided, single submitter. Criteria: Invitae Variant Classification Sherloc (09022015). Collection method: clinical testing. Allele origin: germline.
Comment: This sequence change creates a premature translational stop signal (p.Cys120Metfs*2) in the TRIM32 gene. While this is not anticipated to result in nonsense mediated decay, it is expected to disrupt the last 534 amino acid(s) of the TRIM32 protein. This variant is not present in population databases (gnomAD no frequency). This variant has not been reported in the literature in individuals affected with TRIM32-related conditions. This variant disrupts a region of the TRIM32 protein in which other variant(s) (p.Arg613*) have been determined to be pathogenic (PMID: 23541687, 29921608). This suggests that this is a clinically significant region of the protein, and that variants that disrupt it are likely to be disease-causing. For these reasons, this variant has been classified as Pathogenic.

Literature cited by the submitters: PubMed 23541687; PubMed 29921608.

NM_012210.4(TRIM32):c.357dup (p.Cys120fs)

Genes: ASTN2 (astrotactin 2; minus strand), TRIM32 (tripartite motif containing 32; plus strand). Cytogenetic location: 9q33.1.
Variant type: Duplication.
Coding change: c.357dup on transcript NM_012210.4 (MANE Select); coding-DNA position 357, one base duplicated (A; older notation c.357dupA).
Protein change: p.Cys120fs; shifts the reading frame from cysteine 120.
Molecular consequence: frameshift variant. On other transcripts: intron variant (3).
Genome position (GRCh38, 1-based): chr9:116,698,099, A duplicated. VCF-style (leftmost placement, unchanged base first): chr9-116698098-T-TA. GRCh37 (hg19) VCF-style: chr9-119460377-T-TA.
Other names: c.357dup, p.Cys120fs (NM_001099679.2, NM_001379048.1, NM_001379049.1 and 1 more transcripts); c.2653+27672dup (NM_014010.5); c.2794+27672dup (NM_001365069.1); c.2806+27672dup (NM_001365068.1); short protein forms C120fs.
Identifiers: ClinVar variation 4732722 (VCV004732722.1).